The following is an entry in ClinVar:

ClinVar aggregate classification (germline): Uncertain significance (1 of 4 stars; one submission).

Conditions:
Dystonic disorder. Also called: Dystonia. Identifiers: MedGen C0013421, MONDO:0003441, HP:0001332.

Allele frequency attached by ClinVar (database versions not stated): gnomAD 0.00003; TOPMed 0.00003.
gnomAD v4.1: 13 of 1,613,994 alleles (0.00081%); highest among the groups gnomAD compares: Middle Eastern, 0.016%; no homozygotes.

Submission:

Labcorp Genetics (formerly Invitae), Labcorp
Classification: Uncertain significance for Dystonic disorder. Last evaluated: 2022-11-10. Review status: criteria provided, single submitter. Criteria: Invitae Variant Classification Sherloc (09022015). Collection method: clinical testing. Allele origin: germline.
Comment: This variant has not been reported in the literature in individuals affected with TOR1A-related conditions. This variant is present in population databases (no rsID available, gnomAD 0.01%). This sequence change replaces methionine, which is neutral and non-polar, with threonine, which is neutral and polar, at codon 279 of the TOR1A protein (p.Met279Thr). In summary, the available evidence is currently insufficient to determine the role of this variant in disease. Therefore, it has been classified as a Variant of Uncertain Significance. Advanced modeling of protein sequence and biophysical properties (such as structural, functional, and spatial information, amino acid conservation, physicochemical variation, residue mobility, and thermodynamic stability) has been performed at Invitae for this missense variant, however the output from this modeling did not meet the statistical confidence thresholds required to predict the impact of this variant on TOR1A protein function.

NM_000113.3(TOR1A):c.836T>C (p.Met279Thr)

Gene: TOR1A (torsin family 1 member A; minus strand). Cytogenetic location: 9q34.11.
Variant type: single nucleotide variant.
Coding change: c.836T>C on transcript NM_000113.3 (MANE Select); coding-DNA position 836, T replaced by C.
Protein change: p.Met279Thr; replaces methionine 279 with threonine.
Molecular consequence: missense variant.
Genome position (GRCh38, 1-based): chr9:129,814,135, A>G on the plus strand (T>C on the coding strand, the complement: TOR1A is on the minus strand). VCF-style: chr9-129814135-A-G. GRCh37 (hg19) VCF-style: chr9-132576414-A-G.
Other names: short protein forms M279T.
Identifiers: ClinVar variation 1948239 (VCV001948239.5), dbSNP rs943753139, ClinGen allele CA200533733.